The following is an entry in ClinVar:

ClinVar aggregate classification (germline): Uncertain significance. Review status: criteria provided, multiple submitters, no conflicts (2 of 4 stars). 2 submissions from 2 submitters: Uncertain significance (2). Last evaluated 2024-10-26.

Conditions:
Primary ciliary dyskinesia 33. Also called: CILIARY DYSKINESIA, PRIMARY, 33, WITHOUT SITUS INVERSUS. Identifiers: Orphanet 244, MedGen C4225230, MONDO:0014750, OMIM 616726.
Inborn genetic diseases. Identifiers: MedGen C0950123, MeSH D030342.

Allele frequency attached by ClinVar (database versions not stated): gnomAD exomes 0.00008; ExAC 0.00018; TOPMed 0.00020; gnomAD 0.00021 and 0.00023; ESP Exome Variant Server 0.00031.
gnomAD v4.1: 66 of 1,595,898 alleles (0.0041%); highest among the groups gnomAD compares: African/African-American, 0.078%; no homozygotes.

Submissions (2):

Labcorp Genetics (formerly Invitae), Labcorp
Classification: Uncertain significance for Primary ciliary dyskinesia 33. Last evaluated: 2024-10-26. Review status: criteria provided, single submitter. Criteria: Invitae Variant Classification Sherloc (09022015). Collection method: clinical testing. Allele origin: germline.
Comment: This sequence change replaces methionine, which is neutral and non-polar, with leucine, which is neutral and non-polar, at codon 84 of the GAS8 protein (p.Met84Leu). This variant is present in population databases (rs139521886, gnomAD 0.06%). This variant has not been reported in the literature in individuals affected with GAS8-related conditions. ClinVar contains an entry for this variant (Variation ID: 1442440). Invitae Evidence Modeling of protein sequence and biophysical properties (such as structural, functional, and spatial information, amino acid conservation, physicochemical variation, residue mobility, and thermodynamic stability) indicates that this missense variant is not expected to disrupt GAS8 protein function with a negative predictive value of 80%. In summary, the available evidence is currently insufficient to determine the role of this variant in disease. Therefore, it has been classified as a Variant of Uncertain Significance.

Ambry Genetics
Classification: Uncertain significance for Inborn genetic diseases. Last evaluated: 2023-05-17. Review status: criteria provided, single submitter. Criteria: Ambry Variant Classification Scheme 2023. Collection method: clinical testing. Allele origin: germline.

NM_001481.3(DRC4):c.250A>C (p.Met84Leu)

Gene: DRC4 (dynein regulatory complex subunit 4; plus strand). Cytogenetic location: 16q24.3.
Variant type: single nucleotide variant.
Coding change: c.250A>C on transcript NM_001481.3 (MANE Select); coding-DNA position 250, A replaced by C.
Protein change: p.Met84Leu; replaces methionine 84 with leucine.
Molecular consequence: missense variant. On other transcripts: initiator codon variant (1), 5 prime UTR variant (1).
Genome position (GRCh38, 1-based): chr16:90,031,458, A>C. VCF-style: chr16-90031458-A-C. GRCh37 (hg19) VCF-style: chr16-90097866-A-C.
Other names: c.1A>C, p.Met1Leu (NM_001286205.2); c.-272A>C (NM_001286208.2); c.175A>C, p.Met59Leu (NM_001286209.2); c.250A>C (NM_001481.2); short protein forms M59L, M1L, M84L.
Identifiers: ClinVar variation 1442440 (VCV001442440.9), dbSNP rs139521886, ClinGen allele CA8257725.